The following is an entry in ClinVar:

ClinVar aggregate classification (germline): Likely pathogenic. Review status: criteria provided, multiple submitters, no conflicts (2 of 4 stars). 2 submissions from 2 submitters: Likely pathogenic (2). Last evaluated 2024-11-09.

Conditions:
Fanconi anemia (FA). Also called: Fanconi's anemia. Identifiers: Orphanet 84, MedGen C0015625, MeSH D005199, MONDO:0019391.
Fanconi anemia complementation group I (FANCI). Also called: FANCI-Related Fanconi Anemia. Identifiers: Orphanet 84, MedGen C1836861, MONDO:0012186, OMIM 609053.

Allele frequency attached by ClinVar (database versions not stated): gnomAD exomes below 0.00001 and 0.00001; TOPMed below 0.00001.
gnomAD v4.1: 18 of 1,613,006 alleles (0.0011%); highest among the groups gnomAD compares: Non-Finnish European, 0.0014%; no homozygotes.

Submissions (2):

Labcorp Genetics (formerly Invitae), Labcorp
Classification: Likely pathogenic for Fanconi anemia. Last evaluated: 2024-11-09. Review status: criteria provided, single submitter. Criteria: Invitae Variant Classification Sherloc (09022015). Collection method: clinical testing. Allele origin: germline.
Comment: This sequence change affects a donor splice site in intron 22 of the FANCI gene. It is expected to disrupt RNA splicing. Variants that disrupt the donor or acceptor splice site typically lead to a loss of protein function (PMID: 16199547), and loss-of-function variants in FANCI are known to be pathogenic (PMID: 17452773, 17460694). This variant is present in population databases (no rsID available, gnomAD 0.0009%). This variant has not been reported in the literature in individuals affected with FANCI-related conditions. ClinVar contains an entry for this variant (Variation ID: 1496746). Algorithms developed to predict the effect of sequence changes on RNA splicing suggest that this variant may disrupt the consensus splice site. In summary, the currently available evidence indicates that the variant is pathogenic, but additional data are needed to prove that conclusively. Therefore, this variant has been classified as Likely Pathogenic.

Baylor Genetics
Classification: Likely pathogenic for Fanconi anemia complementation group I. Last evaluated: 2024-03-23. Review status: criteria provided, single submitter. Criteria: ACMG Guidelines, 2015. Collection method: clinical testing. Allele origin: unknown.

Literature cited by the submitters: PubMed 16199547 (cited by Labcorp Genetics (formerly Invitae), Labcorp); PubMed 17452773 (cited by Labcorp Genetics (formerly Invitae), Labcorp); PubMed 17460694 (cited by Labcorp Genetics (formerly Invitae), Labcorp).

NM_001113378.2(FANCI):c.2291+2T>A

Gene: FANCI (FA complementation group I; plus strand). Cytogenetic location: 15q26.1.
Variant type: single nucleotide variant.
Coding change: c.2291+2T>A on transcript NM_001113378.2 (MANE Select); the canonical splice donor site of the intron after coding-DNA position 2291, T replaced by A.
Molecular consequence: splice donor variant.
Genome position (GRCh38, 1-based): chr15:89,293,065, T>A. VCF-style: chr15-89293065-T-A. GRCh37 (hg19) VCF-style: chr15-89836296-T-A.
Other names: c.2291+2T>A (NM_018193.3, NM_001376911.1); c.2012+2T>A (NM_001376910.1).
Identifiers: ClinVar variation 1496746 (VCV001496746.10), dbSNP rs1400441798, ClinGen allele CA393749589.